The following is an entry in ClinVar:

ClinVar aggregate classification (germline): Uncertain significance. Review status: criteria provided, multiple submitters, no conflicts (2 of 4 stars). 2 submissions from 2 submitters: Uncertain significance (2). Last evaluated 2025-12-15.

Conditions:
Inborn genetic diseases. Identifiers: MedGen C0950123, MeSH D030342.

gnomAD v4.1: 22 of 1,614,048 alleles (0.0014%); highest among the groups gnomAD compares: South Asian, 0.0033%; no homozygotes.

Submissions (2):

Labcorp Genetics (formerly Invitae), Labcorp
Classification: Uncertain significance. Last evaluated: 2025-12-15. Review status: criteria provided, single submitter. Criteria: Invitae Variant Classification Sherloc (09022015). Collection method: clinical testing. Allele origin: germline.
Comment: This sequence change replaces arginine, which is basic and polar, with glutamine, which is neutral and polar, at codon 193 of the ALX4 protein (p.Arg193Gln). This variant is present in population databases (rs201303900, gnomAD 0.003%). This variant has not been reported in the literature in individuals affected with ALX4-related conditions. ClinVar contains an entry for this variant (Variation ID: 4045698). An algorithm developed to predict the effect of missense changes on protein structure and function (PolyPhen-2) suggests that this variant is likely to be disruptive. In summary, the available evidence is currently insufficient to determine the role of this variant in disease. Therefore, it has been classified as a Variant of Uncertain Significance.

Ambry Genetics
Classification: Uncertain significance for Inborn genetic diseases. Last evaluated: 2025-04-01. Review status: criteria provided, single submitter. Criteria: Ambry Variant Classification Scheme 2023. Collection method: clinical testing. Allele origin: germline.

NM_021926.4(ALX4):c.578G>A (p.Arg193Gln)

Gene: ALX4 (ALX homeobox 4; minus strand). Cytogenetic location: 11p11.2.
Variant type: single nucleotide variant.
Coding change: c.578G>A on transcript NM_021926.4 (MANE Select); coding-DNA position 578, G replaced by A.
Protein change: p.Arg193Gln; replaces arginine 193 with glutamine.
Molecular consequence: missense variant.
Genome position (GRCh38, 1-based): chr11:44,275,547, C>T on the plus strand (G>A on the coding strand, the complement: ALX4 is on the minus strand). VCF-style: chr11-44275547-C-T. GRCh37 (hg19) VCF-style: chr11-44297097-C-T.
Other names: short protein forms R193Q.
Identifiers: ClinVar variation 4045698 (VCV004045698.2).